The following is an entry in ClinVar:

NM_144643.4(SCLT1):c.101A>G (p.Gln34Arg)

Gene: SCLT1 (sodium channel and clathrin linker 1; minus strand). Cytogenetic location: 4q28.2.
Variant type: single nucleotide variant.
Coding change: c.101A>G on transcript NM_144643.4 (MANE Select); coding-DNA position 101, A replaced by G.
Protein change: p.Gln34Arg; replaces glutamine 34 with arginine.
Molecular consequence: missense variant.
Genome position (GRCh38, 1-based): chr4:129,082,307, T>C on the plus strand (A>G on the coding strand, the complement: SCLT1 is on the minus strand). VCF-style: chr4-129082307-T-C. GRCh37 (hg19) VCF-style: chr4-130003462-T-C.
Other names: c.101A>G, p.Gln34Arg (NM_001300897.2, NM_001300898.2, NM_001410807.1); short protein forms Q34R.
Identifiers: ClinVar variation 5000560 (VCV005000560.1).

ClinVar aggregate classification (germline): Uncertain significance (1 of 4 stars; one submission).

Conditions:
SCLT1-related disorder. Also called: SCLT1-related condition.

Submission:

PreventionGenetics, part of Exact Sciences
Classification: Uncertain significance for SCLT1-related condition. Last evaluated: 2025-07-31. Review status: criteria provided, single submitter. Criteria: ACMG Guidelines, 2015. Collection method: clinical testing. Allele origin: germline.
Comment: The SCLT1 c.101A>G variant is predicted to result in the amino acid substitution p.Gln34Arg. To our knowledge, this variant has not been reported in the literature or in a large population database (gnomAD), indicating this variant is rare. At this time, the clinical significance of this variant is uncertain due to the absence of conclusive functional and genetic evidence.